The following is an entry in ClinVar:

ClinVar aggregate classification (germline): Uncertain significance (1 of 4 stars; one submission).

Allele frequency attached by ClinVar (database versions not stated): TOPMed 0.00004; gnomAD 0.00006; ESP Exome Variant Server 0.00008; ExAC 0.00015.
gnomAD v4.1: 174 of 1,613,424 alleles (0.011%); highest among the groups gnomAD compares: Non-Finnish European, 0.014%; no homozygotes.

Submission:

Labcorp Genetics (formerly Invitae), Labcorp
Classification: Uncertain significance. Last evaluated: 2025-02-02. Review status: criteria provided, single submitter. Criteria: Invitae Variant Classification Sherloc (09022015). Collection method: clinical testing. Allele origin: germline.
Comment: This sequence change replaces proline, which is neutral and non-polar, with serine, which is neutral and polar, at codon 454 of the INTU protein (p.Pro454Ser). This variant is present in population databases (rs200782139, gnomAD 0.02%). This variant has not been reported in the literature in individuals affected with INTU-related conditions. ClinVar contains an entry for this variant (Variation ID: 2918436). An algorithm developed to predict the effect of missense changes on protein structure and function outputs the following: PolyPhen-2: "Benign". The serine amino acid residue is found in multiple mammalian species, which suggests that this missense change does not adversely affect protein function. In summary, the available evidence is currently insufficient to determine the role of this variant in disease. Therefore, it has been classified as a Variant of Uncertain Significance.

NM_015693.4(INTU):c.1360C>T (p.Pro454Ser)

Genes: INTU (inturned planar cell polarity protein; plus strand), LOC126807151 (CDK7 strongly-dependent group 2 enhancer GRCh37_chr4:128607842-128609041; plus strand). Cytogenetic location: 4q28.1.
Variant type: single nucleotide variant.
Coding change: c.1360C>T on transcript NM_015693.4 (MANE Select); coding-DNA position 1360, C replaced by T.
Protein change: p.Pro454Ser; replaces proline 454 with serine.
Molecular consequence: missense variant.
Genome position (GRCh38, 1-based): chr4:127,687,778, C>T. VCF-style: chr4-127687778-C-T. GRCh37 (hg19) VCF-style: chr4-128608933-C-T.
Other names: short protein forms P454S.
Identifiers: ClinVar variation 2918436 (VCV002918436.3), dbSNP rs200782139, ClinGen allele CA3075043.